The following is an entry in ClinVar:

NM_033100.4(CDHR1):c.1981C>T (p.Arg661Trp)

Gene: CDHR1 (cadherin related family member 1; plus strand). Cytogenetic location: 10q23.1.
Variant type: single nucleotide variant.
Coding change: c.1981C>T on transcript NM_033100.4 (MANE Select); coding-DNA position 1981, C replaced by T.
Protein change: p.Arg661Trp; replaces arginine 661 with tryptophan.
Molecular consequence: missense variant.
Genome position (GRCh38, 1-based): chr10:84,213,289, C>T. VCF-style: chr10-84213289-C-T. GRCh37 (hg19) VCF-style: chr10-85973045-C-T.
Other names: c.1981C>T, p.Arg661Trp (NM_001171971.3); c.1981C>T (NM_033100.2); short protein forms R661W.
Identifiers: ClinVar variation 1409993 (VCV001409993.6), dbSNP rs745676496, ClinGen allele CA5580103.

ClinVar aggregate classification (germline): Uncertain significance. Review status: criteria provided, multiple submitters, no conflicts (2 of 4 stars). 2 submissions from 2 submitters: Uncertain significance (2). Last evaluated 2024-04-08.

Conditions:
Inborn genetic diseases. Identifiers: MedGen C0950123, MeSH D030342.

Submissions (2):

Ambry Genetics
Classification: Uncertain significance for Inborn genetic diseases. Last evaluated: 2024-04-08. Review status: criteria provided, single submitter. Criteria: Ambry Variant Classification Scheme 2023. Collection method: clinical testing. Allele origin: germline.

Labcorp Genetics (formerly Invitae), Labcorp
Classification: Uncertain significance. Last evaluated: 2022-07-25. Review status: criteria provided, single submitter. Criteria: Invitae Variant Classification Sherloc (09022015). Collection method: clinical testing. Allele origin: germline.
Comment: This sequence change replaces arginine, which is basic and polar, with tryptophan, which is neutral and slightly polar, at codon 661 of the CDHR1 protein (p.Arg661Trp). This variant is present in population databases (rs745676496, gnomAD 0.01%). This variant has not been reported in the literature in individuals affected with CDHR1-related conditions. ClinVar contains an entry for this variant (Variation ID: 1409993). Advanced modeling of protein sequence and biophysical properties (such as structural, functional, and spatial information, amino acid conservation, physicochemical variation, residue mobility, and thermodynamic stability) performed at Invitae indicates that this missense variant is not expected to disrupt CDHR1 protein function. In summary, the available evidence is currently insufficient to determine the role of this variant in disease. Therefore, it has been classified as a Variant of Uncertain Significance.